The following is an entry in ClinVar:

ClinVar aggregate classification (germline): Uncertain significance. Review status: criteria provided, multiple submitters, no conflicts (2 of 4 stars). 2 submissions from 2 submitters: Uncertain significance (2). Last evaluated 2024-12-02.

Conditions:
Inborn genetic diseases. Identifiers: MedGen C0950123, MeSH D030342.
RFT1-congenital disorder of glycosylation (CDG1N). Also called: Congenital disorder of glycosylation type In; RFT1-CDG; CDG In. Identifiers: Orphanet 244310, MedGen C2677590, MONDO:0012783, OMIM 612015.

Allele frequency attached by ClinVar (database versions not stated): gnomAD 0.00001; gnomAD exomes 0.00001; ExAC 0.00002; TOPMed 0.00002.
gnomAD v4.1: 15 of 1,614,062 alleles (0.00093%); highest among the groups gnomAD compares: Middle Eastern, 0.016%; no homozygotes.

Submissions (2):

Ambry Genetics
Classification: Uncertain significance for Inborn genetic diseases. Last evaluated: 2024-12-02. Review status: criteria provided, single submitter. Criteria: Ambry Variant Classification Scheme 2023. Collection method: clinical testing. Allele origin: germline.

Labcorp Genetics (formerly Invitae), Labcorp
Classification: Uncertain significance for RFT1-congenital disorder of glycosylation. Last evaluated: 2022-02-06. Review status: criteria provided, single submitter. Criteria: Invitae Variant Classification Sherloc (09022015). Collection method: clinical testing. Allele origin: germline.
Comment: This sequence change replaces arginine, which is basic and polar, with glutamine, which is neutral and polar, at codon 77 of the RFT1 protein (p.Arg77Gln). This variant is present in population databases (rs766050302, gnomAD 0.004%). This variant has not been reported in the literature in individuals affected with RFT1-related conditions. Algorithms developed to predict the effect of missense changes on protein structure and function output the following: SIFT: "Tolerated"; PolyPhen-2: "Benign"; Align-GVGD: "Class C0". The glutamine amino acid residue is found in multiple mammalian species, which suggests that this missense change does not adversely affect protein function. In summary, the available evidence is currently insufficient to determine the role of this variant in disease. Therefore, it has been classified as a Variant of Uncertain Significance.

NM_052859.4(RFT1):c.230G>A (p.Arg77Gln)

Gene: RFT1 (RFT1 glycolipid translocator homolog; minus strand). Cytogenetic location: 3p21.1.
Variant type: single nucleotide variant.
Coding change: c.230G>A on transcript NM_052859.4 (MANE Select); coding-DNA position 230, G replaced by A.
Protein change: p.Arg77Gln; replaces arginine 77 with glutamine.
Molecular consequence: missense variant.
Genome position (GRCh38, 1-based): chr3:53,123,760, C>T on the plus strand (G>A on the coding strand, the complement: RFT1 is on the minus strand). VCF-style: chr3-53123760-C-T. GRCh37 (hg19) VCF-style: chr3-53157776-C-T.
Other names: c.230G>A (NM_052859.3); short protein forms R77Q.
Identifiers: ClinVar variation 2192585 (VCV002192585.2), dbSNP rs766050302, ClinGen allele CA2451509.